The following is an entry in ClinVar:

ClinVar aggregate classification (germline): Uncertain significance (1 of 4 stars; one submission).

Conditions:
Cardiovascular phenotype. Identifiers: MedGen CN230736.

Submission:

Ambry Genetics
Classification: Uncertain significance for Cardiovascular phenotype. Last evaluated: 2024-08-07. Review status: criteria provided, single submitter. Criteria: Ambry Variant Classification Scheme 2023. Collection method: clinical testing. Allele origin: germline.
Comment: The p.S1101G variant (also known as c.3301A>G), located in coding exon 26 of the JAG1 gene, results from an A to G substitution at nucleotide position 3301. The serine at codon 1101 is replaced by glycine, an amino acid with similar properties. This amino acid position is conserved. In addition, the in silico prediction for this alteration is inconclusive. Based on the available evidence, the clinical significance of this variant remains unclear.

NM_000214.3(JAG1):c.3301A>G (p.Ser1101Gly)

Gene: JAG1 (jagged canonical Notch ligand 1; minus strand). Cytogenetic location: 20p12.2.
Variant type: single nucleotide variant.
Coding change: c.3301A>G on transcript NM_000214.3 (MANE Select); coding-DNA position 3301, A replaced by G.
Protein change: p.Ser1101Gly; replaces serine 1101 with glycine.
Molecular consequence: missense variant.
Genome position (GRCh38, 1-based): chr20:10,639,854, T>C on the plus strand (A>G on the coding strand, the complement: JAG1 is on the minus strand). VCF-style: chr20-10639854-T-C. GRCh37 (hg19) VCF-style: chr20-10620502-T-C.
Other names: short protein forms S1101G.
Identifiers: ClinVar variation 3531158 (VCV003531158.1).